The following is an entry in ClinVar:

NM_017576.4(KIF27):c.2579G>A (p.Arg860Gln)

Gene: KIF27 (kinesin family member 27; minus strand). Cytogenetic location: 9q21.32.
Variant type: single nucleotide variant.
Coding change: c.2579G>A on transcript NM_017576.4 (MANE Select); coding-DNA position 2579, G replaced by A.
Protein change: p.Arg860Gln; replaces arginine 860 with glutamine.
Molecular consequence: missense variant. On other transcripts: intron variant (1).
Genome position (GRCh38, 1-based): chr9:83,880,361, C>T on the plus strand (G>A on the coding strand, the complement: KIF27 is on the minus strand). VCF-style: chr9-83880361-C-T. GRCh37 (hg19) VCF-style: chr9-86495276-C-T.
Other names: c.2579G>A, p.Arg860Gln (NM_001271928.3, NM_001354069.2); c.1139G>A, p.Arg380Gln (NM_001354070.2, NM_001354071.2); c.2445+3452G>A (NM_001271927.3); short protein forms R380Q, R860Q.
Identifiers: ClinVar variation 2659280 (VCV002659280.24), dbSNP rs200952027, ClinGen allele CA5102852.

ClinVar aggregate classification (germline): Likely benign (1 of 4 stars; one submission).

Allele frequency attached by ClinVar (database versions not stated): ExAC 0.00134; gnomAD exomes 0.00298; 1000 Genomes Project 30x 0.00437; gnomAD 0.00771; TOPMed 0.00813.
gnomAD v4.1: 5,616 of 1,602,878 alleles (0.35%); highest among the groups gnomAD compares: Non-Finnish European, 0.34%; 43 homozygotes.

Submission:

CeGaT Center for Human Genetics Tuebingen
Classification: Likely benign. Last evaluated: 2022-11-01. Review status: criteria provided, single submitter. Criteria: CeGaT Center For Human Genetics Tuebingen Variant Classification Criteria Version 2. Collection method: clinical testing. Allele origin: germline. Affected: yes. Observed: 1 variant allele.
Comment: KIF27: BP4, BS2